The following is an entry in ClinVar:

ClinVar aggregate classification (germline): Uncertain significance (1 of 4 stars; one submission).

gnomAD v4.1: 5 of 1,605,680 alleles (0.00031%); highest among the groups gnomAD compares: East Asian, 0.0022%; no homozygotes.

Submission:

GeneDx
Classification: Uncertain significance. Last evaluated: 2024-04-08. Review status: criteria provided, single submitter. Criteria: GeneDx Variant Classification Process June 2021. Collection method: clinical testing. Allele origin: germline. Affected: yes.
Comment: In silico analysis supports that this missense variant has a deleterious effect on protein structure/function; Has not been previously published as pathogenic or benign to our knowledge

NM_001378414.1(HDAC4):c.1844C>T (p.Ala615Val)

Gene: HDAC4 (histone deacetylase 4; minus strand). Cytogenetic location: 2q37.3.
Variant type: single nucleotide variant.
Coding change: c.1844C>T on transcript NM_001378414.1 (MANE Select); coding-DNA position 1844, C replaced by T.
Protein change: p.Ala615Val; replaces alanine 615 with valine.
Molecular consequence: missense variant.
Genome position (GRCh38, 1-based): chr2:239,111,660, G>A on the plus strand (C>T on the coding strand, the complement: HDAC4 is on the minus strand). VCF-style: chr2-239111660-G-A. GRCh37 (hg19) VCF-style: chr2-240033356-G-A.
Other names: c.1844C>T, p.Ala615Val (NM_001378415.1); c.1829C>T, p.Ala610Val (NM_001378416.1, NM_001378417.1, NM_006037.4); short protein forms A610V, A615V.
Identifiers: ClinVar variation 3372123 (VCV003372123.1).